The following is an entry in ClinVar:

ClinVar aggregate classification (germline): Uncertain significance (1 of 4 stars; one submission).

Conditions:
Chédiak-Higashi syndrome (CHS). Also called: Chediak-Higashi Syndrome. Identifiers: Orphanet 167, MedGen C0007965, MONDO:0008963, OMIM 214500.

gnomAD v4.1: 5 of 1,612,940 alleles (0.00031%); highest among the groups gnomAD compares: African/African-American, 0.0053%; no homozygotes.

Submission:

Labcorp Genetics (formerly Invitae), Labcorp
Classification: Uncertain significance for Chédiak-Higashi syndrome. Last evaluated: 2025-09-20. Review status: criteria provided, single submitter. Criteria: Invitae Variant Classification Sherloc (09022015). Collection method: clinical testing. Allele origin: germline.
Comment: This sequence change replaces alanine, which is neutral and non-polar, with threonine, which is neutral and polar, at codon 626 of the LYST protein (p.Ala626Thr). This variant is present in population databases (rs535995710, gnomAD 0.008%). This variant has not been reported in the literature in individuals affected with LYST-related conditions. Invitae Evidence Modeling of protein sequence and biophysical properties (such as structural, functional, and spatial information, amino acid conservation, physicochemical variation, residue mobility, and thermodynamic stability) indicates that this missense variant is not expected to disrupt LYST protein function with a negative predictive value of 80%. In summary, the available evidence is currently insufficient to determine the role of this variant in disease. Therefore, it has been classified as a Variant of Uncertain Significance.

NM_000081.4(LYST):c.1876G>A (p.Ala626Thr)

Gene: LYST (lysosomal trafficking regulator; minus strand). Cytogenetic location: 1q42.3.
Variant type: single nucleotide variant.
Coding change: c.1876G>A on transcript NM_000081.4 (MANE Select); coding-DNA position 1876, G replaced by A.
Protein change: p.Ala626Thr; replaces alanine 626 with threonine.
Molecular consequence: missense variant.
Genome position (GRCh38, 1-based): chr1:235,808,942, C>T on the plus strand (G>A on the coding strand, the complement: LYST is on the minus strand). VCF-style: chr1-235808942-C-T. GRCh37 (hg19) VCF-style: chr1-235972242-C-T.
Other names: c.1876G>A, p.Ala626Thr (NM_001301365.1); short protein forms A626T.
Identifiers: ClinVar variation 4806335 (VCV004806335.1).